The following is an entry in ClinVar:

ClinVar aggregate classification (germline): Likely benign (1 of 4 stars; one submission).

Allele frequency attached by ClinVar (database versions not stated): ExAC 0.00005.

Submission:

CeGaT Center for Human Genetics Tuebingen
Classification: Likely benign. Last evaluated: 2024-06-01. Review status: criteria provided, single submitter. Criteria: CeGaT Center For Human Genetics Tuebingen Variant Classification Criteria Version 2. Collection method: clinical testing. Allele origin: germline. Affected: yes. Observed: 1 variant allele.
Comment: SORD: BP4, BP7

NM_003104.6(SORD):c.219G>A (p.Ser73=)

Gene: SORD (sorbitol dehydrogenase; plus strand). Cytogenetic location: 15q21.1.
Variant type: single nucleotide variant.
Coding change: c.219G>A on transcript NM_003104.6 (MANE Select); coding-DNA position 219, G replaced by A.
Protein change: p.Ser73=; no amino-acid change (serine 73 retained).
Molecular consequence: synonymous variant. On other transcripts: non-coding transcript variant (1).
Genome position (GRCh38, 1-based): chr15:45,043,375, G>A. VCF-style: chr15-45043375-G-A. GRCh37 (hg19) VCF-style: chr15-45335573-G-A.
Identifiers: ClinVar variation 3250662 (VCV003250662.18), dbSNP rs752052119.
Genomic context (GRCh38, chr15:45,043,375, plus strand): 5'-GTATGGTCGAATTGGGAATTTTATTGTGAAAAAGCCCATGGTGCTGGGACATGAAGCTTC[G>A]GGAACAGTCGAAAAAGTGGGATCATCGGTAAAGCACCTAAAACCAGGTCAGCAAGGTCCT-3'
Protein context (NP_003095.2, residues 63-83): KKPMVLGHEA[Ser73=]GTVEKVGSSV